The following is an entry in ClinVar:

NM_004453.4(ETFDH):c.358G>C (p.Asp120His)

Gene: ETFDH (electron transfer flavoprotein dehydrogenase; plus strand). Cytogenetic location: 4q32.1.
Variant type: single nucleotide variant.
Coding change: c.358G>C on transcript NM_004453.4 (MANE Select); coding-DNA position 358, G replaced by C.
Protein change: p.Asp120His; replaces aspartic acid 120 with histidine.
Molecular consequence: missense variant.
Genome position (GRCh38, 1-based): chr4:158,682,377, G>C. VCF-style: chr4-158682377-G-C. GRCh37 (hg19) VCF-style: chr4-159603529-G-C.
Other names: c.217G>C, p.Asp73His (NM_001281737.2); c.175G>C, p.Asp59His (NM_001281738.1); c.358G>C (NM_004453.2); short protein forms D120H, D59H, D73H.
Identifiers: ClinVar variation 2164180 (VCV002164180.6), dbSNP rs376263577, ClinGen allele CA3122326.

ClinVar aggregate classification (germline): Uncertain significance. Review status: criteria provided, multiple submitters, no conflicts (2 of 4 stars). 5 submissions from 5 submitters: Uncertain significance (5). Last evaluated 2025-10-02.

Conditions:
Multiple acyl-CoA dehydrogenase deficiency (MADD). Also called: Glutaric aciduria, type 2; Glutaric acidemia type II; GA 2; ETHYLMALONIC-ADIPICACIDURIA; GA II; Glutaric Acidemia type 2. Identifiers: Orphanet 26791, MedGen C0268596, MONDO:0009282, OMIM 231680.
Inborn genetic diseases. Identifiers: MedGen C0950123, MeSH D030342.

Allele frequency attached by ClinVar (database versions not stated): gnomAD 0.00001; ExAC 0.00002; gnomAD exomes 0.00002; TOPMed 0.00002; ESP Exome Variant Server 0.00015.
gnomAD v4.1: 31 of 1,614,022 alleles (0.0019%); highest among the groups gnomAD compares: Non-Finnish European, 0.0025%; no homozygotes.

Submissions (5):

Ambry Genetics
Classification: Uncertain significance for Inborn genetic diseases. Last evaluated: 2025-10-02. Review status: criteria provided, single submitter. Criteria: Ambry Variant Classification Scheme 2023. Collection method: clinical testing. Allele origin: germline.

GeneDx
Classification: Uncertain significance. Last evaluated: 2025-07-05. Review status: criteria provided, single submitter. Criteria: GeneDx Variant Classification Process June 2021. Collection method: clinical testing. Allele origin: germline. Affected: yes.
Comment: Not observed at significant frequency in large population cohorts (gnomAD); In silico analysis supports that this missense variant has a deleterious effect on protein structure/function; Has not been previously published as pathogenic or benign to our knowledge

ARUP Laboratories, Molecular Genetics and Genomics, ARUP Laboratories
Classification: Uncertain significance for Multiple acyl-CoA dehydrogenase deficiency. Last evaluated: 2025-02-25. Review status: criteria provided, single submitter. Criteria: ARUP Molecular Germline Variant Investigation Process 2024. Collection method: clinical testing. Allele origin: germline.
Comment: The ETFDH c.358G>C; p.Asp120His variant (rs376263577), to our knowledge, is not reported in the medical literature but is reported in ClinVar (Variation ID: 2164180). This variant is found in the non-Finnish European population with an allele frequency of 0.004% (5/113,754 alleles) in the Genome Aggregation Database (v2.1.1). Computational analyses are uncertain whether this variant is neutral or deleterious (REVEL: 0.632). Given the lack of clinical and functional data, the significance of this variant is uncertain at this time.

Blueprint Genetics
Classification: Uncertain significance. Last evaluated: 2022-11-23. Review status: criteria provided, single submitter. Criteria: ACMG Guidelines, 2015. Collection method: clinical testing. Allele origin: germline.

Labcorp Genetics (formerly Invitae), Labcorp
Classification: Uncertain significance for Multiple acyl-CoA dehydrogenase deficiency. Last evaluated: 2022-05-20. Review status: criteria provided, single submitter. Criteria: Invitae Variant Classification Sherloc (09022015). Collection method: clinical testing. Allele origin: germline.
Comment: This sequence change replaces aspartic acid, which is acidic and polar, with histidine, which is basic and polar, at codon 120 of the ETFDH protein (p.Asp120His). This variant is present in population databases (rs376263577, gnomAD 0.006%). This variant has not been reported in the literature in individuals affected with ETFDH-related conditions. Advanced modeling of protein sequence and biophysical properties (such as structural, functional, and spatial information, amino acid conservation, physicochemical variation, residue mobility, and thermodynamic stability) performed at Invitae indicates that this missense variant is expected to disrupt ETFDH protein function. In summary, the available evidence is currently insufficient to determine the role of this variant in disease. Therefore, it has been classified as a Variant of Uncertain Significance.